The following is an entry in ClinVar:

NM_177438.3(DICER1):c.1741G>A (p.Ala581Thr)

Gene: DICER1 (dicer 1, ribonuclease III; minus strand). Cytogenetic location: 14q32.13.
Variant type: single nucleotide variant.
Coding change: c.1741G>A on transcript NM_177438.3 (MANE Select); coding-DNA position 1741, G replaced by A.
Protein change: p.Ala581Thr; replaces alanine 581 with threonine.
Molecular consequence: missense variant. On other transcripts: non-coding transcript variant (6).
Genome position (GRCh38, 1-based): chr14:95,116,464, C>T on the plus strand (G>A on the coding strand, the complement: DICER1 is on the minus strand). VCF-style: chr14-95116464-C-T. GRCh37 (hg19) VCF-style: chr14-95582801-C-T.
Other names: c.1741G>A, p.Ala581Thr (NM_001195573.1, NM_001271282.3, NM_001291628.2 and 13 more transcripts); c.1459G>A, p.Ala487Thr (NM_001395686.1); c.1336G>A, p.Ala446Thr (NM_001395687.1, NM_001395688.1, NM_001395689.1 and 3 more transcripts); c.1174G>A, p.Ala392Thr (NM_001395691.1); c.58G>A, p.Ala20Thr (NM_001395697.1); short protein forms A20T, A392T, A581T, A487T, A446T.
Identifiers: ClinVar variation 2151720 (VCV002151720.4), dbSNP rs2543027297, ClinGen allele CA390884667.

ClinVar aggregate classification (germline): Uncertain significance (1 of 4 stars; one submission).

Conditions:
DICER1-related tumor predisposition. Also called: DICER1-related pleuropulmonary blastoma cancer predisposition syndrome; DICER1 syndrome. Identifiers: Orphanet 284343, MedGen C3839822, MONDO:0100216.

Submission:

Labcorp Genetics (formerly Invitae), Labcorp
Classification: Uncertain significance for DICER1-related tumor predisposition. Last evaluated: 2023-11-07. Review status: criteria provided, single submitter. Criteria: Invitae Variant Classification Sherloc (09022015). Collection method: clinical testing. Allele origin: germline.
Comment: This sequence change replaces alanine, which is neutral and non-polar, with threonine, which is neutral and polar, at codon 581 of the DICER1 protein (p.Ala581Thr). This variant is not present in population databases (gnomAD no frequency). This variant has not been reported in the literature in individuals affected with DICER1-related conditions. ClinVar contains an entry for this variant (Variation ID: 2151720). Advanced modeling of protein sequence and biophysical properties (such as structural, functional, and spatial information, amino acid conservation, physicochemical variation, residue mobility, and thermodynamic stability) performed at Invitae indicates that this missense variant is not expected to disrupt DICER1 protein function with a negative predictive value of 80%. In summary, the available evidence is currently insufficient to determine the role of this variant in disease. Therefore, it has been classified as a Variant of Uncertain Significance.